The following is an entry in ClinVar:

NM_000548.5(TSC2):c.4517A>C (p.His1506Pro)

Gene: TSC2 (TSC complex subunit 2; plus strand). Cytogenetic location: 16p13.3.
Variant type: single nucleotide variant.
Coding change: c.4517A>C on transcript NM_000548.5 (MANE Select); coding-DNA position 4517, A replaced by C.
Protein change: p.His1506Pro; replaces histidine 1506 with proline.
Molecular consequence: missense variant.
Genome position (GRCh38, 1-based): chr16:2,084,974, A>C. VCF-style: chr16-2084974-A-C. GRCh37 (hg19) VCF-style: chr16-2134975-A-C.
Other names: c.4316A>C, p.His1439Pro (NM_001077183.3); c.4448A>C, p.His1483Pro (NM_001114382.3); c.4208A>C, p.His1403Pro (NM_001318827.2); c.4172A>C, p.His1391Pro (NM_001318829.2); c.3785A>C, p.His1262Pro (NM_001318831.2); c.4349A>C, p.His1450Pro (NM_001318832.2); c.4319A>C, p.His1440Pro (NM_001363528.2); c.4385A>C, p.His1462Pro (NM_001370404.1); and 1 more; short protein forms H1403P, H1391P, H1439P, H1450P, H1462P, H1262P, H1440P, H1463P.
Identifiers: ClinVar variation 840836 (VCV000840836.11), dbSNP rs2090581620, ClinGen allele CA394302764.
Genomic context (GRCh38, chr16:2,084,974, plus strand): 5'-CCCTCACCTGGGTGCCCACCATCCCCTCCCTGTGCAGTTTCGTGTTCCTGCAGCTCTACC[A>C]TTCCCCCTTCTTTGGCGACGAGTCAAACAAGCCAATCCTGCTGCCCAATGAGGTAGGCGT-3'
Protein context (NP_000539.2, residues 1496-1516): NPSFVFLQLY[His1506Pro]SPFFGDESNK

ClinVar aggregate classification (germline): Uncertain significance. Review status: criteria provided, multiple submitters, no conflicts (2 of 4 stars). 2 submissions from 2 submitters: Uncertain significance (2). Last evaluated 2026-07-08.

Conditions:
Tuberous sclerosis 2 (TSC2). Identifiers: Orphanet 805, MedGen C1860707, MONDO:0013199, OMIM 613254.
Hereditary cancer-predisposing syndrome. Also called: Tumor predisposition; Hereditary neoplastic syndrome; Neoplastic Syndromes, Hereditary; Hereditary Cancer Syndrome. Identifiers: Orphanet 140162, MedGen C0027672, MeSH D009386, MONDO:0015356.

gnomAD v4.1: 1 of 1,613,142 alleles (0.000062%); highest among the groups gnomAD compares: Non-Finnish European, 0.000085%; no homozygotes.

Submissions (2):

Ambry Genetics
Classification: Uncertain significance for Hereditary cancer-predisposing syndrome. Last evaluated: 2026-07-08. Review status: criteria provided, single submitter. Criteria: Ambry Variant Classification Scheme 2023. Collection method: clinical testing. Allele origin: germline.
Comment: The p.H1506P variant (also known as c.4517A>C), located in coding exon 34 of the TSC2 gene, results from an A to C substitution at nucleotide position 4517. The histidine at codon 1506 is replaced by proline, an amino acid with similar properties. This amino acid position is conserved. In addition, this alteration is predicted to be deleterious by in silico analysis. Based on the available evidence, the clinical significance of this variant remains unclear.

Labcorp Genetics (formerly Invitae), Labcorp
Classification: Uncertain significance for Tuberous sclerosis 2. Last evaluated: 2025-07-30. Review status: criteria provided, single submitter. Criteria: Invitae Variant Classification Sherloc (09022015). Collection method: clinical testing. Allele origin: germline.
Comment: This sequence change replaces histidine, which is basic and polar, with proline, which is neutral and non-polar, at codon 1506 of the TSC2 protein (p.His1506Pro). This variant is not present in population databases (gnomAD no frequency). This variant has not been reported in the literature in individuals affected with TSC2-related conditions. ClinVar contains an entry for this variant (Variation ID: 840836). Invitae Evidence Modeling of protein sequence and biophysical properties (such as structural, functional, and spatial information, amino acid conservation, physicochemical variation, residue mobility, and thermodynamic stability) has been performed for this missense variant. However, the output from this modeling did not meet the statistical confidence thresholds required to predict the impact of this variant on TSC2 protein function. In summary, the available evidence is currently insufficient to determine the role of this variant in disease. Therefore, it has been classified as a Variant of Uncertain Significance.